The following is an entry in ClinVar:

NM_006393.3(NEBL):c.994G>A (p.Val332Ile)

Gene: NEBL (nebulette; minus strand). Cytogenetic location: 10p12.31.
Variant type: single nucleotide variant.
Coding change: c.994G>A on transcript NM_006393.3 (MANE Select); coding-DNA position 994, G replaced by A.
Protein change: p.Val332Ile; replaces valine 332 with isoleucine.
Molecular consequence: missense variant. On other transcripts: intron variant (9).
Genome position (GRCh38, 1-based): chr10:20,852,559, C>T on the plus strand (G>A on the coding strand, the complement: NEBL is on the minus strand). VCF-style: chr10-20852559-C-T. GRCh37 (hg19) VCF-style: chr10-21141488-C-T.
Other names: p.V332I:GTC>ATC; c.250-39619G>A (NM_001377326.1, NM_001377327.1, NM_001377328.1); c.358-39619G>A (NM_213569.2, NM_001173484.2, NM_001377322.1); c.301-39619G>A (NM_001377324.1); c.292-39619G>A (NM_001377325.1); c.310-39619G>A (NM_001377323.1); short protein forms V332I.
Identifiers: ClinVar variation 164758 (VCV000164758.18), dbSNP rs150518045, ClinGen allele CA177443.
Genomic context (GRCh38, chr10:20,852,559, plus strand): 5'-CGGGTTGCTGGCAGGGAGGGTAGGTACCGTACGGGCAAGTGTGTACCTGACTTTGGAGGA[C>T]GGCATTGCCTTTATGGTGCAGATGTTCCACAGCATCTGCATCAAAATGATACATTCCTTT-3'
Protein context (NP_006384.1, residues 322-342): VEHLHHKGNA[Val332Ile]LQSQVKYKEE

ClinVar aggregate classification (germline): Likely benign. Review status: criteria provided, multiple submitters, no conflicts (2 of 4 stars). 4 submissions from 4 submitters: Likely benign (4). Last evaluated 2026-08-13.

Conditions:
NEBL-related disorder. Also called: NEBL-related condition.
Primary dilated cardiomyopathy (DCM). Also called: Dilated Cardiomyopathy. Identifiers: Orphanet 217604, MedGen C0007193, MeSH D002311, MONDO:0005021, HP:0001644. Inheritance: Various modes of inheritance.

Allele frequency attached by ClinVar (database versions not stated): gnomAD exomes 0.00010 and 0.00023; ExAC 0.00033; gnomAD 0.00065 and 0.00066; ESP Exome Variant Server 0.00085; TOPMed 0.00086; 1000 Genomes Project 0.00100; 1000 Genomes Project 30x 0.00125.
gnomAD v4.1: 254 of 1,612,712 alleles (0.016%); highest among the groups gnomAD compares: African/African-American, 0.16%; no homozygotes.

Submissions (4):

PreventionGenetics, part of Exact Sciences
Classification: Likely benign for NEBL-related condition. Last evaluated: 2026-08-13. Review status: criteria provided, single submitter. Criteria: ACMG Guidelines, 2015. Collection method: clinical testing. Allele origin: germline.
Comment: This variant is classified as likely benign based on ACMG/AMP sequence variant interpretation guidelines (Richards et al. 2015 PMID: 25741868, with internal and published modifications).

Labcorp Genetics (formerly Invitae), Labcorp
Classification: Likely benign for Primary dilated cardiomyopathy. Last evaluated: 2026-01-19. Review status: criteria provided, single submitter. Criteria: Invitae Variant Classification Sherloc (09022015). Collection method: clinical testing. Allele origin: germline.

GeneDx
Classification: Likely benign. Last evaluated: 2021-01-23. Review status: criteria provided, single submitter. Criteria: GeneDx Variant Classification Process June 2021. Collection method: clinical testing. Allele origin: germline. Affected: yes.

Laboratory for Molecular Medicine, Mass General Brigham Personalized Medicine
Classification: Likely benign. Last evaluated: 2013-09-26. Review status: criteria provided, single submitter. Criteria: LMM Criteria. Collection method: clinical testing. Allele origin: germline. Observed: 1 variant allele.
Comment: Val332Ile in exon 10 of NEBL: This variant is not expected to have clinical sign ificance due to a lack of conservation across species, including mammals. Of not e, multiple primates have an isoleucine (Ile) at this position, despite high nea rby amino acid conservation. In addition, computational analyses (AlignGVGD, Pol yPhen2, SIFT) do not suggest a high likelihood of impact to the protein. This va riant has also been identified in 0.2% (10/4406) of African American chromosomes by the NHLBI Exome Sequencing Project (dbSNP rs150518045).